The following is an entry in ClinVar:

ClinVar aggregate classification (germline): Pathogenic. Review status: criteria provided, multiple submitters, no conflicts (2 of 4 stars). 2 submissions from 2 submitters: Pathogenic (2). Last evaluated 2024-01-22.

Conditions:
Familial cancer of breast. Also called: Hereditary breast cancer; hereditary breast carcinoma; BREAST CANCER, FAMILIAL. Identifiers: Orphanet 227535, MedGen C0346153, MONDO:0016419, OMIM 114480. Disease mechanism: loss of function.

Submissions (2):

Myriad Genetics, Inc.
Classification: Pathogenic for Familial cancer of breast. Last evaluated: 2024-01-22. Review status: criteria provided, single submitter. Criteria: Myriad Autosomal Dominant, Autosomal Recessive and X-Linked Classification Criteria (2023). Collection method: clinical testing. Allele origin: unknown.
Comment: This variant is considered pathogenic. This variant creates a termination codon and is predicted to result in premature protein truncation.

GeneDx
Classification: Pathogenic. Last evaluated: 2018-01-10. Review status: criteria provided, single submitter. Criteria: GeneDx Variant Classification (06012015). Collection method: clinical testing. Allele origin: germline. Affected: yes.
Comment: This variant is denoted ATM c.3619G>T at the cDNA level and p.Glu1207Ter (E1207X) at the protein level. The substitution creates a nonsense variant, which changes a Glutamic Acid to a premature stop codon (GAA>TAA), and is predicted to cause loss of normal protein function through either protein truncation or nonsense-mediated mRNA decay. This variant has not, to our knowledge, been published in the literature as a germline variant; however, it has been reported as a somatic variant in a colon tumor (Sanz-Pamplona 2015) and is considered pathogenic.

NM_000051.4(ATM):c.3619G>T (p.Glu1207Ter)

Gene: ATM (ATM serine/threonine kinase; plus strand). Cytogenetic location: 11q22.3.
Variant type: single nucleotide variant.
Coding change: c.3619G>T on transcript NM_000051.4 (MANE Select); coding-DNA position 3619, G replaced by T.
Protein change: p.Glu1207Ter; replaces glutamic acid 1207 with a stop codon.
Molecular consequence: nonsense.
Genome position (GRCh38, 1-based): chr11:108,282,752, G>T. VCF-style: chr11-108282752-G-T. GRCh37 (hg19) VCF-style: chr11-108153479-G-T.
Other names: c.3619G>T, p.Glu1207Ter (NM_001351834.2); short protein forms E1207*.
Identifiers: ClinVar variation 546005 (VCV000546005.3), dbSNP rs772724024, ClinGen allele CA382522808.